The following is an entry in ClinVar:

NM_015100.4(POGZ):c.1138T>C (p.Cys380Arg)

Gene: POGZ (pogo transposable element derived with ZNF domain; minus strand). Cytogenetic location: 1q21.3.
Variant type: single nucleotide variant.
Coding change: c.1138T>C on transcript NM_015100.4 (MANE Select); coding-DNA position 1138, T replaced by C.
Protein change: p.Cys380Arg; replaces cysteine 380 with arginine.
Molecular consequence: missense variant.
Genome position (GRCh38, 1-based): chr1:151,425,002, A>G on the plus strand (T>C on the coding strand, the complement: POGZ is on the minus strand). VCF-style: chr1-151425002-A-G. GRCh37 (hg19) VCF-style: chr1-151397478-A-G.
Other names: c.1111T>C, p.Cys371Arg (NM_001194937.2); c.952T>C, p.Cys318Arg (NM_001194938.2); c.853T>C, p.Cys285Arg (NM_145796.4); c.979T>C, p.Cys327Arg (NM_207171.2); short protein forms C285R, C318R, C327R, C371R, C380R.
Identifiers: ClinVar variation 1309505 (VCV001309505.4), dbSNP rs2102278003, ClinGen allele CA341973000.

ClinVar aggregate classification (germline): Uncertain significance (1 of 4 stars; one submission).

Allele frequency attached by ClinVar (database versions not stated): gnomAD exomes below 0.00001.
gnomAD v4.1: 1 of 1,599,442 alleles (0.000063%); highest among the groups gnomAD compares: Non-Finnish European, 0.000085%; no homozygotes.

Submission:

GeneDx
Classification: Uncertain significance. Last evaluated: 2023-09-16. Review status: criteria provided, single submitter. Criteria: GeneDx Variant Classification Process June 2021. Collection method: clinical testing. Allele origin: germline. Affected: yes.
Comment: Has not been previously published as pathogenic or benign to our knowledge; Not observed at significant frequency in large population cohorts (gnomAD); In silico analysis, which includes protein predictors and evolutionary conservation, supports a deleterious effect